The following is an entry in ClinVar:

ClinVar aggregate classification (germline): Likely pathogenic (1 of 4 stars; one submission).

Conditions:
Glycogen storage disease type III (GSD3). Also called: FORBES DISEASE; Cori disease. Identifiers: Orphanet 366, MedGen C0017922, MONDO:0009291, OMIM 232400.

Submission:

Centre for Human Genetics
Classification: Likely pathogenic for Glycogen storage disease type III. Last evaluated: 2018-11-27. Review status: criteria provided, single submitter. Criteria: ACMG Guidelines, 2015. Collection method: clinical testing. Allele origin: inherited. Inheritance: Autosomal recessive inheritance. Affected: yes. Observed: 1 variant allele.
Comment: disease causing

NM_000642.3(AGL):c.2949+5G>A

Gene: AGL (amylo-alpha-1,6-glucosidase and 4-alpha-glucanotransferase; plus strand). Cytogenetic location: 1p21.2.
Variant type: single nucleotide variant.
Coding change: c.2949+5G>A on transcript NM_000642.3 (MANE Select); 5 bases into the intron after coding-DNA position 2949, G replaced by A.
Molecular consequence: intron variant.
Genome position (GRCh38, 1-based): chr1:99,891,361, G>A. VCF-style: chr1-99891361-G-A. GRCh37 (hg19) VCF-style: chr1-100356917-G-A.
Other names: c.2949+5G>A (NM_000643.3, NM_000644.3, NM_001425325.1 and 1 more transcripts); c.2901+5G>A (NM_000646.3); c.2928+5G>A (NM_001425326.1); c.2748+5G>A (NM_001425327.1); c.2745+5G>A (NM_001425328.1); c.2610+5G>A (NM_001425329.1); c.2571+5G>A (NM_001425332.1).
Identifiers: ClinVar variation 998106 (VCV000998106.1), dbSNP rs1652885754, ClinGen allele CA1183933259.